The following is an entry in ClinVar:

NM_001256071.3(RNF213):c.8040C>T (p.Pro2680=)

Gene: RNF213 (ring finger protein 213; plus strand). Cytogenetic location: 17q25.3.
Variant type: single nucleotide variant.
Coding change: c.8040C>T on transcript NM_001256071.3 (MANE Select); coding-DNA position 8040, C replaced by T.
Protein change: p.Pro2680=; no amino-acid change (proline 2680 retained).
Molecular consequence: synonymous variant.
Genome position (GRCh38, 1-based): chr17:80,346,375, C>T. VCF-style: chr17-80346375-C-T. GRCh37 (hg19) VCF-style: chr17-78320175-C-T.
Other names: p.Pro2680=.
Identifiers: ClinVar variation 786954 (VCV000786954.9), dbSNP rs150849968, ClinGen allele CA8820862.

ClinVar aggregate classification (germline): Benign. Review status: criteria provided, multiple submitters, no conflicts (2 of 4 stars). 3 submissions from 3 submitters: Benign (2). 1 of the submissions does not count toward it. Last evaluated 2025-11-10.

Conditions:
RNF213-related disorder. Also called: RNF213-related condition.

Allele frequency attached by ClinVar (database versions not stated): gnomAD exomes 0.00017 and 0.00053; 1000 Genomes Project 0.00180; gnomAD 0.00188 and 0.00174; TOPMed 0.00202; ESP Exome Variant Server 0.00246; ExAC 0.00066; 1000 Genomes Project 30x 0.00172.
gnomAD v4.1: 526 of 1,613,472 alleles (0.033%); highest among the groups gnomAD compares: African/African-American, 0.54%; 5 homozygotes.

Submissions (3):

Labcorp Genetics (formerly Invitae), Labcorp
Classification: Benign. Last evaluated: 2025-11-10. Review status: criteria provided, single submitter. Criteria: Invitae Variant Classification Sherloc (09022015). Collection method: clinical testing. Allele origin: germline.

Mayo Clinic Laboratories, Mayo Clinic
Classification: Benign. Last evaluated: 2024-02-22. Review status: criteria provided, single submitter. Criteria: ACMG Guidelines, 2015. Collection method: clinical testing. Allele origin: germline. Observed: 3 variant alleles.
Comment: BS1, BS2, BP4, BP7

PreventionGenetics, part of Exact Sciences
Classification: Likely benign for RNF213-related condition. Last evaluated: 2019-04-12. Review status: no assertion criteria provided. Collection method: clinical testing. Allele origin: germline. Not counted in ClinVar's aggregate classification.
Comment: This variant is classified as likely benign based on ACMG/AMP sequence variant interpretation guidelines (Richards et al. 2015 PMID: 25741868, with internal and published modifications).